The following is an entry in ClinVar:

ClinVar aggregate classification (germline): Uncertain significance (1 of 4 stars; one submission).

Allele frequency attached by ClinVar (database versions not stated): gnomAD 0.00001; TOPMed 0.00001.
gnomAD v4.1: 4 of 1,613,880 alleles (0.00025%); highest among the groups gnomAD compares: Non-Finnish European, 0.00034%; no homozygotes.

Submission:

Labcorp Genetics (formerly Invitae), Labcorp
Classification: Uncertain significance. Last evaluated: 2022-06-19. Review status: criteria provided, single submitter. Criteria: Invitae Variant Classification Sherloc (09022015). Collection method: clinical testing. Allele origin: germline.
Comment: In summary, the available evidence is currently insufficient to determine the role of this variant in disease. Therefore, it has been classified as a Variant of Uncertain Significance. Algorithms developed to predict the effect of missense changes on protein structure and function (SIFT, PolyPhen-2, Align-GVGD) all suggest that this variant is likely to be disruptive. This variant has not been reported in the literature in individuals affected with HMCN1-related conditions. This variant is present in population databases (no rsID available, gnomAD 0.0009%). This sequence change replaces glycine, which is neutral and non-polar, with serine, which is neutral and polar, at codon 4982 of the HMCN1 protein (p.Gly4982Ser).

NM_031935.3(HMCN1):c.14944G>A (p.Gly4982Ser)

Gene: HMCN1 (hemicentin 1; plus strand). Cytogenetic location: 1q31.1.
Variant type: single nucleotide variant.
Coding change: c.14944G>A on transcript NM_031935.3 (MANE Select); coding-DNA position 14944, G replaced by A.
Protein change: p.Gly4982Ser; replaces glycine 4982 with serine.
Molecular consequence: missense variant.
Genome position (GRCh38, 1-based): chr1:186,152,797, G>A. VCF-style: chr1-186152797-G-A. GRCh37 (hg19) VCF-style: chr1-186121929-G-A.
Other names: short protein forms G4982S.
Identifiers: ClinVar variation 1964525 (VCV001964525.5), dbSNP rs1217786688, ClinGen allele CA343921879.